The following is an entry in ClinVar:

ClinVar aggregate classification (germline): Likely pathogenic (1 of 4 stars; one submission).

Submission:

Institute of Human Genetics, FAU Erlangen, Friedrich-Alexander-Universität Erlangen-Nürnberg
Classification: Likely pathogenic. Last evaluated: 2024-09-30. Review status: criteria provided, single submitter. Criteria: Hauer et al. (Genet Med. 2018). Collection method: clinical testing. Allele origin: germline. Inheritance: Autosomal dominant inheritance. Affected: yes. Observed: 1 variant allele.
Comment: This variant has been identified by standard clinical testing. Selected ACMG criteria: Likely pathogenic (II):PP3;PM2;PS2

NM_001291415.2(KDM6A):c.3053C>T (p.Pro1018Leu)

Gene: KDM6A (lysine demethylase 6A; plus strand). Cytogenetic location: Xp11.3.
Variant type: single nucleotide variant.
Coding change: c.3053C>T on transcript NM_001291415.2 (MANE Select); coding-DNA position 3053, C replaced by T.
Protein change: p.Pro1018Leu; replaces proline 1018 with leucine.
Molecular consequence: missense variant. On other transcripts: non-coding transcript variant (1).
Genome position (GRCh38, 1-based): chrX:45,078,464, C>T. VCF-style: chrX-45078464-C-T. GRCh37 (hg19) VCF-style: chrX-44937709-C-T.
Other names: c.2918C>T, p.Pro973Leu (NM_001291416.2, NM_001419811.1); c.2762C>T, p.Pro921Leu (NM_001291417.2); c.2660C>T, p.Pro887Leu (NM_001291418.2, NM_001419815.1); c.2009C>T, p.Pro670Leu (NM_001291421.2); c.2795C>T, p.Pro932Leu (NM_001410742.1, NM_001419814.1); c.3053C>T, p.Pro1018Leu (NM_001419809.1); c.2951C>T, p.Pro984Leu (NM_001419810.1, NM_001419813.1); c.2897C>T, p.Pro966Leu (NM_001419812.1, NM_021140.4); short protein forms P1018L, P670L, P887L, P921L, P932L, P966L, P973L, P984L.
Identifiers: ClinVar variation 3341164 (VCV003341164.1).